The following is an entry in ClinVar:

ClinVar aggregate classification (germline): Uncertain significance (1 of 4 stars; one submission).

Conditions:
Deafness-lymphedema-leukemia syndrome. Also called: Lymphedema, primary, with myelodysplasia; Emberger syndrome. Identifiers: Orphanet 3226, MedGen C3279664, MONDO:0013540, OMIM 614038.
Monocytopenia with susceptibility to infections. Also called: MONOCYTOPENIA AND MYCOBACTERIAL INFECTION SYNDROME; MONOCYTOPENIA WITH SUSCEPTIBILITY TO MYCOBACTERIAL, FUNGAL, AND PAPILLOMAVIRUS INFECTIONS AND MYELODYSPLASIA; COMBINED IMMUNODEFICIENCY WITH SUSCEPTIBILITY TO MYCOBACTERIAL, VIRAL, AND FUNGAL INFECTIONS; IMMUNODEFICIENCY 21; Dendritic cell, monocyte, B lymphocyte, and natural killer lymphocyte deficiency; GATA2 DEFICIENCY. Identifiers: Orphanet 228423, MedGen C3280030, MONDO:0013607, OMIM 614172.

Submission:

Labcorp Genetics (formerly Invitae), Labcorp
Classification: Uncertain significance for Monocytopenia with susceptibility to infections; Deafness-lymphedema-leukemia syndrome. Last evaluated: 2023-04-07. Review status: criteria provided, single submitter. Criteria: Invitae Variant Classification Sherloc (09022015). Collection method: clinical testing. Allele origin: germline.
Comment: In summary, the available evidence is currently insufficient to determine the role of this variant in disease. Therefore, it has been classified as a Variant of Uncertain Significance. Advanced modeling of protein sequence and biophysical properties (such as structural, functional, and spatial information, amino acid conservation, physicochemical variation, residue mobility, and thermodynamic stability) has been performed at Invitae for this missense variant, however the output from this modeling did not meet the statistical confidence thresholds required to predict the impact of this variant on GATA2 protein function. ClinVar contains an entry for this variant (Variation ID: 577683). This variant has not been reported in the literature in individuals affected with GATA2-related conditions. This variant is not present in population databases (gnomAD no frequency). This sequence change replaces histidine, which is basic and polar, with glutamine, which is neutral and polar, at codon 243 of the GATA2 protein (p.His243Gln).

NM_032638.5(GATA2):c.729C>G (p.His243Gln)

Gene: GATA2 (GATA binding protein 2; minus strand). Cytogenetic location: 3q21.3.
Variant type: single nucleotide variant.
Coding change: c.729C>G on transcript NM_032638.5 (MANE Select); coding-DNA position 729, C replaced by G.
Protein change: p.His243Gln; replaces histidine 243 with glutamine.
Molecular consequence: missense variant.
Genome position (GRCh38, 1-based): chr3:128,485,869, G>C on the plus strand (C>G on the coding strand, the complement: GATA2 is on the minus strand). VCF-style: chr3-128485869-G-C. GRCh37 (hg19) VCF-style: chr3-128204712-G-C.
Other names: c.729C>G, p.His243Gln (NM_001145661.2, NM_001145662.1); short protein forms H243Q.
Identifiers: ClinVar variation 577683 (VCV000577683.10), dbSNP rs369673069, ClinGen allele CA354406121.